The following is an entry in ClinVar:

ClinVar aggregate classification (germline): Pathogenic (1 of 4 stars; one submission).

Submission:

CeGaT Center for Human Genetics Tuebingen
Classification: Pathogenic. Last evaluated: 2025-03-01. Review status: criteria provided, single submitter. Criteria: CeGaT Center For Human Genetics Tuebingen Variant Classification Criteria Version 2. Collection method: clinical testing. Allele origin: germline. Affected: yes. Observed: 1 variant allele.
Comment: PLA2G6: PVS1, PM2

NM_003560.4(PLA2G6):c.1542G>A (p.Trp514Ter)

Gene: PLA2G6 (phospholipase A2 group VI; minus strand). Cytogenetic location: 22q13.1.
Variant type: single nucleotide variant.
Coding change: c.1542G>A on transcript NM_003560.4 (MANE Select); coding-DNA position 1542, G replaced by A.
Protein change: p.Trp514Ter; replaces tryptophan 514 with a stop codon.
Molecular consequence: nonsense.
Genome position (GRCh38, 1-based): chr22:38,123,144, C>T on the plus strand (G>A on the coding strand, the complement: PLA2G6 is on the minus strand). VCF-style: chr22-38123144-C-T. GRCh37 (hg19) VCF-style: chr22-38519151-C-T.
Other names: c.1008G>A, p.Trp336Ter (NM_001349867.2); c.864G>A, p.Trp288Ter (NM_001349868.2); c.846G>A, p.Trp282Ter (NM_001349869.2); c.1380G>A, p.Trp460Ter (NM_001004426.3, NM_001199562.3, NM_001349865.2 and 1 more transcripts); c.1542G>A, p.Trp514Ter (NM_001349864.2); short protein forms W282*, W288*, W336*, W460*, W514*.
Identifiers: ClinVar variation 3778122 (VCV003778122.7).
Genomic context (GRCh38, chr22:38,123,144, plus strand): 5'-GCCGCCCTCACTGTGCAGAATGGCCAGGGCCAGGATGCCTCCAGTGCTGGTGCCCGCCAC[C>T]CAGTCAAACAGGTCCTTGGTGGCCACACCCGAGGCCTTCTCGATGGCGATGAGGAGCTGG-3'